The following is an entry in ClinVar:

ClinVar aggregate classification (germline): Uncertain significance (1 of 4 stars; one submission).

Submissions (2):

Labcorp Genetics (formerly Invitae), Labcorp
Classification: Uncertain significance. Last evaluated: 2020-10-26. Review status: criteria provided, single submitter. Criteria: Invitae Variant Classification Sherloc (09022015). Collection method: clinical testing. Allele origin: germline.
Comment: In summary, the available evidence is currently insufficient to determine the role of this variant in disease. Therefore, it has been classified as a Variant of Uncertain Significance. Algorithms developed to predict the effect of sequence changes on RNA splicing suggest that this variant may create or strengthen a splice site, but this prediction has not been confirmed by published transcriptional studies. Algorithms developed to predict the effect of missense changes on protein structure and function are either unavailable or do not agree on the potential impact of this missense change (SIFT: "Deleterious"; PolyPhen-2: "Benign"; Align-GVGD: "Class C15"). This variant has not been reported in the literature in individuals with NEXMIF-related conditions. This variant is not present in population databases (ExAC no frequency). This sequence change replaces glycine with valine at codon 981 of the NEXMIF protein (p.Gly981Val). The glycine residue is highly conserved and there is a moderate physicochemical difference between glycine and valine.

Dr. Peter K. Rogan Lab, Western University
No classification provided (evidence only). Condition: Nonpapillary renal cell carcinoma. Review status: no classification provided. Collection method: in vitro. Allele origin: not applicable. Functional consequence: retained intron. Not counted in ClinVar's aggregate classification.

NM_001008537.3(NEXMIF):c.2942G>T (p.Gly981Val)

Gene: NEXMIF (neurite extension and migration factor; minus strand). Cytogenetic location: Xq13.3.
Variant type: single nucleotide variant.
Coding change: c.2942G>T on transcript NM_001008537.3 (MANE Select); coding-DNA position 2942, G replaced by T.
Protein change: p.Gly981Val; replaces glycine 981 with valine.
Molecular consequence: missense variant.
Genome position (GRCh38, 1-based): chrX:74,741,615, C>A on the plus strand (G>T on the coding strand, the complement: NEXMIF is on the minus strand). VCF-style: chrX-74741615-C-A. GRCh37 (hg19) VCF-style: chrX-73961450-C-A.
Other names: short protein forms G981V.
Identifiers: ClinVar variation 1011437 (VCV001011437.9), dbSNP rs745545606, ClinGen allele CA413667077.